The following is an entry in ClinVar:

NM_012301.4(MAGI2):c.3379C>A (p.Pro1127Thr)

Gene: MAGI2 (membrane associated guanylate kinase, WW and PDZ domain containing 2; minus strand). Cytogenetic location: 7q21.11.
Variant type: single nucleotide variant.
Coding change: c.3379C>A on transcript NM_012301.4 (MANE Select); coding-DNA position 3379, C replaced by A.
Protein change: p.Pro1127Thr; replaces proline 1127 with threonine.
Molecular consequence: missense variant.
Genome position (GRCh38, 1-based): chr7:78,127,241, G>T on the plus strand (C>A on the coding strand, the complement: MAGI2 is on the minus strand). VCF-style: chr7-78127241-G-T. GRCh37 (hg19) VCF-style: chr7-77756558-G-T.
Other names: c.3337C>A, p.Pro1113Thr (NM_001301128.2); short protein forms P1127T, P1113T.
Identifiers: ClinVar variation 1915268 (VCV001915268.5), dbSNP rs758472567, ClinGen allele CA4313529.

ClinVar aggregate classification (germline): Uncertain significance (1 of 4 stars; one submission).

Allele frequency attached by ClinVar (database versions not stated): ExAC 0.00001.
gnomAD v4.1: 10 of 1,606,676 alleles (0.00062%); highest among the groups gnomAD compares: Non-Finnish European, 0.00076%; no homozygotes.

Submission:

Labcorp Genetics (formerly Invitae), Labcorp
Classification: Uncertain significance. Last evaluated: 2024-06-03. Review status: criteria provided, single submitter. Criteria: Invitae Variant Classification Sherloc (09022015). Collection method: clinical testing. Allele origin: germline.
Comment: This sequence change replaces proline, which is neutral and non-polar, with threonine, which is neutral and polar, at codon 1127 of the MAGI2 protein (p.Pro1127Thr). The frequency data for this variant in the population databases is considered unreliable, as metrics indicate poor data quality at this position in the gnomAD database. This variant has not been reported in the literature in individuals affected with MAGI2-related conditions. ClinVar contains an entry for this variant (Variation ID: 1915268). An algorithm developed to predict the effect of missense changes on protein structure and function (PolyPhen-2) suggests that this variant is likely to be tolerated. In summary, the available evidence is currently insufficient to determine the role of this variant in disease. Therefore, it has been classified as a Variant of Uncertain Significance.